The following is an entry in ClinVar:

NM_001134407.3(GRIN2A):c.3030C>T (p.Pro1010=)

Gene: GRIN2A (glutamate ionotropic receptor NMDA type subunit 2A; minus strand). Cytogenetic location: 16p13.2.
Variant type: single nucleotide variant.
Coding change: c.3030C>T on transcript NM_001134407.3 (MANE Select); coding-DNA position 3030, C replaced by T.
Protein change: p.Pro1010=; no amino-acid change (proline 1010 retained).
Molecular consequence: synonymous variant.
Genome position (GRCh38, 1-based): chr16:9,764,514, G>A on the plus strand (C>T on the coding strand, the complement: GRIN2A is on the minus strand). VCF-style: chr16-9764514-G-A. GRCh37 (hg19) VCF-style: chr16-9858371-G-A.
Other names: c.3030C>T, p.Pro1010= (NM_000833.5, NM_001134408.2).
Identifiers: ClinVar variation 384168 (VCV000384168.12), dbSNP rs763891276, ClinGen allele CA16607568.

ClinVar aggregate classification (germline): Likely benign. Review status: criteria provided, multiple submitters, no conflicts (2 of 4 stars). 2 submissions from 2 submitters: Likely benign (2). Last evaluated 2022-07-26.

Conditions:
Landau-Kleffner syndrome (FESD). Also called: EPILEPSY, FOCAL, WITH SPEECH DISORDER AND WITH OR WITHOUT MENTAL RETARDATION; APHASIA, ACQUIRED, WITH EPILEPSY. Identifiers: Orphanet 1945, Orphanet 725, Orphanet 98818, MedGen C0282512, MONDO:0009509, OMIM 245570.

gnomAD v4.1: 14 of 1,614,076 alleles (0.00087%); highest among the groups gnomAD compares: Non-Finnish European, 0.0012%; no homozygotes.

Submissions (2):

Labcorp Genetics (formerly Invitae), Labcorp
Classification: Likely benign for Landau-Kleffner syndrome. Last evaluated: 2022-07-26. Review status: criteria provided, single submitter. Criteria: Invitae Variant Classification Sherloc (09022015). Collection method: clinical testing. Allele origin: germline.

GeneDx
Classification: Likely benign. Last evaluated: 2016-02-26. Review status: criteria provided, single submitter. Criteria: GeneDx Variant Classification (06012015). Collection method: clinical testing. Allele origin: germline. Affected: yes.
Comment: This variant is considered likely benign or benign based on one or more of the following criteria: it is a conservative change, it occurs at a poorly conserved position in the protein, it is predicted to be benign by multiple in silico algorithms, and/or has population frequency not consistent with disease.